The following is an entry in ClinVar:

NM_000475.5(NR0B1):c.919G>C (p.Glu307Gln)

Gene: NR0B1 (nuclear receptor subfamily 0 group B member 1; minus strand). Cytogenetic location: Xp21.2.
Variant type: single nucleotide variant.
Coding change: c.919G>C on transcript NM_000475.5 (MANE Select); coding-DNA position 919, G replaced by C.
Protein change: p.Glu307Gln; replaces glutamic acid 307 with glutamine.
Molecular consequence: missense variant.
Genome position (GRCh38, 1-based): chrX:30,308,445, C>G on the plus strand (G>C on the coding strand, the complement: NR0B1 is on the minus strand). VCF-style: chrX-30308445-C-G. GRCh37 (hg19) VCF-style: chrX-30326562-C-G.
Other names: short protein forms E307Q.
Identifiers: ClinVar variation 3382994 (VCV003382994.2).

ClinVar aggregate classification (germline): Uncertain significance (1 of 4 stars; one submission).

Conditions:
46,XY sex reversal 2. Also called: 46XY sex reversal 2, dosage-sensitive; NR0B1-Related 46,XY CGD; NR0B1-related 46,XY complete gonadal dysgenesis; Dosage-sensitive sex reversal; 46,XY SEX REVERSAL, DAX1-RELATED. Identifiers: MedGen C1848296, MONDO:0010226, OMIM 300018.
Congenital adrenal hypoplasia, X-linked (AHC). Also called: X-linked AHC; X-Linked Adrenal Hypoplasia Congenita; Isolated X-Linked Adrenal Hypoplasia Congenita; ADRENAL HYPOPLASIA, CONGENITAL, WITH HYPOGONADOTROPIC HYPOGONADISM. Identifiers: Orphanet 95702, MedGen C0342482, MONDO:0010264, OMIM 300200. Disease mechanism: loss of function.

gnomAD v4.1: 3 of 1,199,316 alleles (0.00025%); highest among the groups gnomAD compares: South Asian, 0.0036%; no homozygotes.

Submission:

Juno Genomics, Hangzhou Juno Genomics, Inc
Classification: Uncertain significance for 46,XY sex reversal 2; Congenital adrenal hypoplasia, X-linked. Review status: criteria provided, single submitter. Criteria: ACMG Guidelines, 2015. Collection method: clinical testing. Allele origin: germline. Affected: yes.
Comment: Absent from controls (or at extremely low frequency if recessive) in Genome Aggregation Database, Exome Sequencing Project, 1000 Genomes Project, or Exome Aggregation Consortium.;Patient's phenotype or family history is highly specific for a disease with a single genetic etiology.